The following is an entry in ClinVar:

NM_003489.4(NRIP1):c.584A>G (p.Lys195Arg)

Gene: NRIP1 (nuclear receptor interacting protein 1; minus strand). Cytogenetic location: 21q11.2.
Variant type: single nucleotide variant.
Coding change: c.584A>G on transcript NM_003489.4 (MANE Select); coding-DNA position 584, A replaced by G.
Protein change: p.Lys195Arg; replaces lysine 195 with arginine.
Molecular consequence: missense variant.
Genome position (GRCh38, 1-based): chr21:14,967,609, T>C on the plus strand (A>G on the coding strand, the complement: NRIP1 is on the minus strand). VCF-style: chr21-14967609-T-C. GRCh37 (hg19) VCF-style: chr21-16339930-T-C.
Other names: c.584A>G (NM_003489.3); short protein forms K195R.
Identifiers: ClinVar variation 2888164 (VCV002888164.4), dbSNP rs1033801188, ClinGen allele CA317655728.

ClinVar aggregate classification (germline): Uncertain significance. Review status: criteria provided, multiple submitters, no conflicts (2 of 4 stars). 2 submissions from 2 submitters: Uncertain significance (2). Last evaluated 2025-06-12.

Conditions:
Inborn genetic diseases. Identifiers: MedGen C0950123, MeSH D030342.

Allele frequency attached by ClinVar (database versions not stated): gnomAD exomes 0.00001; gnomAD 0.00003; TOPMed 0.00005.
gnomAD v4.1: 8 of 1,613,656 alleles (0.0005%); highest among the groups gnomAD compares: Admixed American, 0.012%; no homozygotes.

Submissions (2):

Labcorp Genetics (formerly Invitae), Labcorp
Classification: Uncertain significance. Last evaluated: 2025-06-12. Review status: criteria provided, single submitter. Criteria: Invitae Variant Classification Sherloc (09022015). Collection method: clinical testing. Allele origin: germline.
Comment: This sequence change replaces lysine, which is basic and polar, with arginine, which is basic and polar, at codon 195 of the NRIP1 protein (p.Lys195Arg). This variant is not present in population databases (gnomAD no frequency). This variant has not been reported in the literature in individuals affected with NRIP1-related conditions. ClinVar contains an entry for this variant (Variation ID: 2888164). An algorithm developed to predict the effect of missense changes on protein structure and function (PolyPhen-2) suggests that this variant is likely to be disruptive. In summary, the available evidence is currently insufficient to determine the role of this variant in disease. Therefore, it has been classified as a Variant of Uncertain Significance.

Ambry Genetics
Classification: Uncertain significance for Inborn genetic diseases. Last evaluated: 2024-05-30. Review status: criteria provided, single submitter. Criteria: Ambry Variant Classification Scheme 2023. Collection method: clinical testing. Allele origin: germline.